The following is an entry in ClinVar:

ClinVar aggregate classification (germline): Pathogenic (1 of 4 stars; one submission).

Submission:

Genetic Services Laboratory, University of Chicago
Classification: Pathogenic. Last evaluated: 2019-04-02. Review status: criteria provided, single submitter. Criteria: ACMG Guidelines, 2015. Collection method: clinical testing. Allele origin: germline. Affected: yes.
Comment: DNA sequence analysis of the CDKL5 gene demonstrated a two base pair deletion in exon 5, c.155_156del. This pathogenic sequence change results in an amino acid frameshift and creates a premature stop codon nine amino acids downstream of the mutation, p.Glu52Glyfs*10. This pathogenic sequence change is present in ~13% of Next Generation Sequencing reads, and Sanger sequencing supports the mosaic nature of this sequence change. This sequence change is absent from large population databases such as ExAC and gnomAD. This pathogenic sequence change is predicted to result in an abnormal transcript, which may be degraded, or may lead to the production of a truncated CDKL5 protein with potentially abnormal function.

NM_001323289.2(CDKL5):c.155_156del (p.Glu52fs)

Gene: CDKL5 (cyclin dependent kinase like 5; plus strand). Cytogenetic location: Xp22.13.
Variant type: Deletion.
Coding change: c.155_156del on transcript NM_001323289.2 (MANE Select); coding-DNA positions 155 to 156, 2 bases deleted (AA; older notation c.155_156delAA).
Protein change: p.Glu52fs; shifts the reading frame from glutamic acid 52.
Molecular consequence: frameshift variant.
Genome position (GRCh38, 1-based): chrX:18,575,363-18,575,364, AA deleted. VCF-style (leftmost placement, unchanged base first): chrX-18575362-GAA-G. GRCh37 (hg19) VCF-style: chrX-18593482-GAA-G.
Other names: c.155_156del, p.Glu52fs (NM_001037343.2, NM_003159.3); short protein forms E52fs.
Identifiers: ClinVar variation 1338216 (VCV001338216.4), dbSNP rs2147139532, ClinGen allele CA2573055181.
Genomic context (GRCh38, chrX:18,575,362, plus strand): 5'-TAGTAGCTTGAAAGTTTTCATTTTAGTCTCTTCACCATTGTTTACATTCTAGAAAATGAA[GAA>G]GTCAAAGAAACGACTTTACGAGAGCTTAAAATGCTTCGGACTCTCAAGCAGGAAAACATT-3'